The following is an entry in ClinVar:

NM_016507.4(CDK12):c.3482C>T (p.Thr1161Met)

Gene: CDK12 (cyclin dependent kinase 12; plus strand). Cytogenetic location: 17q12.
Variant type: single nucleotide variant.
Coding change: c.3482C>T on transcript NM_016507.4 (MANE Select); coding-DNA position 3482, C replaced by T.
Protein change: p.Thr1161Met; replaces threonine 1161 with methionine.
Molecular consequence: missense variant.
Genome position (GRCh38, 1-based): chr17:39,526,038, C>T. VCF-style: chr17-39526038-C-T. GRCh37 (hg19) VCF-style: chr17-37682291-C-T.
Other names: c.3482C>T, p.Thr1161Met (NM_015083.4); short protein forms T1161M.
Identifiers: ClinVar variation 3265416 (VCV003265416.2).

ClinVar aggregate classification (germline): Uncertain significance (1 of 4 stars; one submission).

gnomAD v4.1: 12 of 1,614,056 alleles (0.00074%); highest among the groups gnomAD compares: Admixed American, 0.0083%; no homozygotes.

Submission:

Ambry Genetics
Classification: Uncertain significance. Last evaluated: 2024-11-24. Review status: criteria provided, single submitter. Criteria: Ambry Variant Classification Scheme 2023. Collection method: clinical testing. Allele origin: germline.
Comment: The p.T1161M variant (also known as c.3482C>T), located in coding exon 13 of the CDK12 gene, results from a C to T substitution at nucleotide position 3482. The threonine at codon 1161 is replaced by methionine, an amino acid with similar properties. This amino acid position is conserved. In addition, this alteration is predicted to be tolerated by in silico analysis. Based on the available evidence, the clinical significance of this variant remains unclear.